The following is an entry in ClinVar:

NC_000002.12:g.84459376T>C

Genes: SUCLG1 (succinate-CoA ligase GDP/ADP-forming subunit alpha; minus strand), LOC129934178 (ATAC-STARR-seq lymphoblastoid active region 16099; plus strand). Cytogenetic location: 2p11.2.
Variant type: single nucleotide variant.
Genome position: GRCh38 VCF-style: chr2-84459376-T-C. GRCh37 (hg19) VCF-style: chr2-84686500-T-C.
Identifiers: ClinVar variation 337167 (VCV000337167.32), dbSNP rs140936198, ClinGen allele CA10616114.

ClinVar aggregate classification (germline): Conflicting classifications of pathogenicity. Review status: criteria provided, conflicting classifications (1 of 4 stars). 2 submissions from 2 submitters: Uncertain significance (1); Benign (1). Last evaluated 2023-07-01.

Allele frequency attached by ClinVar (database versions not stated): 1000 Genomes Project 0.00439; 1000 Genomes Project 30x 0.00453; gnomAD 0.00750 and 0.00764; TOPMed 0.00801; gnomAD exomes 0.00876.

Submissions (2):

CeGaT Center for Human Genetics Tuebingen
Classification: Benign. Last evaluated: 2023-07-01. Review status: criteria provided, single submitter. Criteria: CeGaT Center For Human Genetics Tuebingen Variant Classification Criteria Version 2. Collection method: clinical testing. Allele origin: germline. Affected: yes. Observed: 4 variant alleles.
Comment: SUCLG1: BS1, BS2

Breakthrough Genomics
Classification: Uncertain significance. Review status: criteria provided, single submitter. Criteria: ACMG Guidelines, 2015. Collection method: not provided. Allele origin: germline. Inheritance: Autosomal recessive inheritance. Affected: yes.